The following is an entry in ClinVar:

NM_020884.7(MYH7B):c.522G>A (p.Leu174=)

Gene: MYH7B (myosin heavy chain 7B; plus strand). Cytogenetic location: 20q11.22.
Variant type: single nucleotide variant.
Coding change: c.522G>A on transcript NM_020884.7 (MANE Select); coding-DNA position 522, G replaced by A.
Protein change: p.Leu174=; no amino-acid change (leucine 174 retained).
Molecular consequence: synonymous variant.
Genome position (GRCh38, 1-based): chr20:34,981,055, G>A. VCF-style: chr20-34981055-G-A. GRCh37 (hg19) VCF-style: chr20-33568858-G-A.
Other names: c.648G>A (NM_020884.4).
Identifiers: ClinVar variation 2179003 (VCV002179003.6), dbSNP rs761996955, ClinGen allele CA9826478.

ClinVar aggregate classification (germline): Likely benign. Review status: criteria provided, single submitter (1 of 4 stars). 2 submissions from 2 submitters: Likely benign (1). 1 of the submissions does not count toward it. Last evaluated 2022-02-18.

Conditions:
MYH7B-related disorder. Also called: MYH7B-related condition.

Allele frequency attached by ClinVar (database versions not stated): ExAC 0.00001; gnomAD 0.00001; TOPMed 0.00003; gnomAD exomes 0.00006.
gnomAD v4.1: 93 of 1,613,924 alleles (0.0058%); highest among the groups gnomAD compares: Middle Eastern, 0.016%; no homozygotes.

Submissions (2):

Labcorp Genetics (formerly Invitae), Labcorp
Classification: Likely benign. Last evaluated: 2022-02-18. Review status: criteria provided, single submitter. Criteria: Invitae Variant Classification Sherloc (09022015). Collection method: clinical testing. Allele origin: germline.

PreventionGenetics, part of Exact Sciences
Classification: Likely benign for MYH7B-related condition. Last evaluated: 2019-06-06. Review status: no assertion criteria provided. Collection method: clinical testing. Allele origin: germline. Not counted in ClinVar's aggregate classification.
Comment: This variant is classified as likely benign based on ACMG/AMP sequence variant interpretation guidelines (Richards et al. 2015 PMID: 25741868, with internal and published modifications).